The following is an entry in ClinVar:

NM_001621.5(AHR):c.450+4A>G

Gene: AHR (aryl hydrocarbon receptor; plus strand). Cytogenetic location: 7p21.1.
Variant type: single nucleotide variant.
Coding change: c.450+4A>G on transcript NM_001621.5 (MANE Select); 4 bases into the intron after coding-DNA position 450, A replaced by G.
Molecular consequence: intron variant.
Genome position (GRCh38, 1-based): chr7:17,327,852, A>G. VCF-style: chr7-17327852-A-G. GRCh37 (hg19) VCF-style: chr7-17367476-A-G.
Identifiers: ClinVar variation 1915023 (VCV001915023.5), dbSNP rs754674390, ClinGen allele CA4171829.

ClinVar aggregate classification (germline): Uncertain significance (1 of 4 stars; one submission).

Allele frequency attached by ClinVar (database versions not stated): ExAC 0.00001; gnomAD 0.00001; gnomAD exomes 0.00001.

Submission:

Labcorp Genetics (formerly Invitae), Labcorp
Classification: Uncertain significance. Last evaluated: 2023-07-17. Review status: criteria provided, single submitter. Criteria: Invitae Variant Classification Sherloc (09022015). Collection method: clinical testing. Allele origin: germline.
Comment: In summary, the available evidence is currently insufficient to determine the role of this variant in disease. Therefore, it has been classified as a Variant of Uncertain Significance. Variants that disrupt the consensus splice site are a relatively common cause of aberrant splicing (PMID: 17576681, 9536098). Algorithms developed to predict the effect of sequence changes on RNA splicing suggest that this variant is not likely to affect RNA splicing. ClinVar contains an entry for this variant (Variation ID: 1915023). This variant has not been reported in the literature in individuals affected with AHR-related conditions. This variant is present in population databases (rs754674390, gnomAD 0.001%). This sequence change falls in intron 4 of the AHR gene. It does not directly change the encoded amino acid sequence of the AHR protein. It affects a nucleotide within the consensus splice site.

Literature cited by the submitters: PubMed 17576681; PubMed 9536098.